The following is an entry in ClinVar:

ClinVar aggregate classification (germline): Uncertain significance. Review status: criteria provided, multiple submitters, no conflicts (2 of 4 stars). 3 submissions from 3 submitters: Uncertain significance (3). Last evaluated 2025-10-28.

Conditions:
Inborn genetic diseases. Identifiers: MedGen C0950123, MeSH D030342.

Allele frequency attached by ClinVar (database versions not stated): gnomAD exomes 0.00001; ExAC 0.00002; TOPMed 0.00003; gnomAD 0.00004.
gnomAD v4.1: 26 of 1,613,584 alleles (0.0016%); highest among the groups gnomAD compares: African/African-American, 0.011%; no homozygotes.

Submissions (3):

Labcorp Genetics (formerly Invitae), Labcorp
Classification: Uncertain significance. Last evaluated: 2025-10-28. Review status: criteria provided, single submitter. Criteria: Invitae Variant Classification Sherloc (09022015). Collection method: clinical testing. Allele origin: germline.
Comment: This sequence change replaces alanine, which is neutral and non-polar, with valine, which is neutral and non-polar, at codon 436 of the DEAF1 protein (p.Ala436Val). This variant is present in population databases (rs762639219, gnomAD 0.007%). This variant has not been reported in the literature in individuals affected with DEAF1-related conditions. ClinVar contains an entry for this variant (Variation ID: 421884). Invitae Evidence Modeling of protein sequence and biophysical properties (such as structural, functional, and spatial information, amino acid conservation, physicochemical variation, residue mobility, and thermodynamic stability) indicates that this missense variant is not expected to disrupt DEAF1 protein function with a negative predictive value of 80%. In summary, the available evidence is currently insufficient to determine the role of this variant in disease. Therefore, it has been classified as a Variant of Uncertain Significance.

Ambry Genetics
Classification: Uncertain significance for Inborn genetic diseases. Last evaluated: 2025-02-12. Review status: criteria provided, single submitter. Criteria: Ambry Variant Classification Scheme 2023. Collection method: clinical testing. Allele origin: germline.

GeneDx
Classification: Uncertain significance. Last evaluated: 2020-06-04. Review status: criteria provided, single submitter. Criteria: GeneDx Variant Classification Process June 2021. Collection method: clinical testing. Allele origin: germline. Affected: yes.
Comment: In silico analysis supports that this missense variant does not alter protein structure/function; Has not been previously published as pathogenic or benign to our knowledge

NM_021008.4(DEAF1):c.1307C>T (p.Ala436Val)

Genes: DEAF1 (DEAF1 transcription factor; minus strand), LOC126861109 (BRD4-independent group 4 enhancer GRCh37_chr11:673917-675116; plus strand). Cytogenetic location: 11p15.5.
Variant type: single nucleotide variant.
Coding change: c.1307C>T on transcript NM_021008.4 (MANE Select); coding-DNA position 1307, C replaced by T.
Protein change: p.Ala436Val; replaces alanine 436 with valine.
Molecular consequence: missense variant.
Genome position (GRCh38, 1-based): chr11:674,732, G>A on the plus strand (C>T on the coding strand, the complement: DEAF1 is on the minus strand). VCF-style: chr11-674732-G-A. GRCh37 (hg19) VCF-style: chr11-674732-G-A.
Other names: c.1040C>T, p.Ala347Val (NM_001293634.2); c.581C>T, p.Ala194Val (NM_001367390.1); short protein forms A436V, A347V, A194V.
Identifiers: ClinVar variation 421884 (VCV000421884.7), dbSNP rs762639219, ClinGen allele CA5786248.
Genomic context (GRCh38, chr11:674,732, plus strand): 5'-AGGTACAGCCAGCTCCGCGGCTCTGACAGCTCCAGCCCATTGACCAACGCGGGAGGTGCC[G>A]CTTTGGTGGGAGTCGGGGGTGGGACCGCCAGCGCAGGCAGGGATGTCAACACTAGAGCAT-3'
Protein context (NP_066288.2, residues 426-446): LAVPPPTPTK[Ala436Val]APPALVNGLE